The following is an entry in ClinVar:

ClinVar aggregate classification (germline): Likely benign. Review status: criteria provided, multiple submitters, no conflicts (2 of 4 stars). 3 submissions from 3 submitters: Likely benign (2). 1 of the submissions does not count toward it. Last evaluated 2026-01-24.

Conditions:
Fanconi anemia (FA). Also called: Fanconi's anemia. Identifiers: Orphanet 84, MedGen C0015625, MeSH D005199, MONDO:0019391.
SLX4-related disorder. Also called: SLX4-related condition.

Allele frequency attached by ClinVar (database versions not stated): TOPMed 0.00002; gnomAD exomes 0.00004.
gnomAD v4.1: 12 of 1,613,008 alleles (0.00074%); highest among the groups gnomAD compares: Admixed American, 0.017%; no homozygotes.

Submissions (3):

Labcorp Genetics (formerly Invitae), Labcorp
Classification: Likely benign for Fanconi anemia. Last evaluated: 2026-01-24. Review status: criteria provided, single submitter. Criteria: Invitae Variant Classification Sherloc (09022015). Collection method: clinical testing. Allele origin: germline.

Blueprint Genetics
Classification: Likely benign. Last evaluated: 2023-11-02. Review status: criteria provided, single submitter. Criteria: ACMG Guidelines, 2015. Collection method: clinical testing. Allele origin: germline.

PreventionGenetics, part of Exact Sciences
Classification: Likely benign for SLX4-related condition. Last evaluated: 2023-03-16. Review status: no assertion criteria provided. Collection method: clinical testing. Allele origin: germline. Not counted in ClinVar's aggregate classification.
Comment: This variant is classified as likely benign based on ACMG/AMP sequence variant interpretation guidelines (Richards et al. 2015 PMID: 25741868, with internal and published modifications).

NM_032444.4(SLX4):c.3108A>G (p.Leu1036=)

Gene: SLX4 (SLX4 structure-specific endonuclease subunit; minus strand). Cytogenetic location: 16p13.3.
Variant type: single nucleotide variant.
Coding change: c.3108A>G on transcript NM_032444.4 (MANE Select); coding-DNA position 3108, A replaced by G.
Protein change: p.Leu1036=; no amino-acid change (leucine 1036 retained).
Molecular consequence: synonymous variant.
Genome position (GRCh38, 1-based): chr16:3,590,530, T>C on the plus strand (A>G on the coding strand, the complement: SLX4 is on the minus strand). VCF-style: chr16-3590530-T-C. GRCh37 (hg19) VCF-style: chr16-3640531-T-C.
Other names: c.3108A>G (LRG_503t1, NM_032444.3).
Identifiers: ClinVar variation 526443 (VCV000526443.11), dbSNP rs751431046, ClinGen allele CA7865992.